The following is an entry in ClinVar:

ClinVar aggregate classification (germline): Uncertain significance (1 of 4 stars; one submission).

Conditions:
Congenital disorder of deglycosylation (CDDG). Identifiers: MedGen C3808991, MONDO:0031376.

Allele frequency attached by ClinVar (database versions not stated): TOPMed 0.00005.
gnomAD v4.1: 64 of 1,612,588 alleles (0.004%); highest among the groups gnomAD compares: Non-Finnish European, 0.0048%; no homozygotes.

Submission:

Labcorp Genetics (formerly Invitae), Labcorp
Classification: Uncertain significance for Congenital disorder of deglycosylation. Last evaluated: 2022-08-16. Review status: criteria provided, single submitter. Criteria: Invitae Variant Classification Sherloc (09022015). Collection method: clinical testing. Allele origin: germline.
Comment: This sequence change replaces valine, which is neutral and non-polar, with isoleucine, which is neutral and non-polar, at codon 184 of the NGLY1 protein (p.Val184Ile). This variant is present in population databases (rs139636452, gnomAD 0.007%). This variant has not been reported in the literature in individuals affected with NGLY1-related conditions. ClinVar contains an entry for this variant (Variation ID: 844321). Algorithms developed to predict the effect of missense changes on protein structure and function output the following: SIFT: "Tolerated"; PolyPhen-2: "Benign"; Align-GVGD: "Class C0". The isoleucine amino acid residue is found in multiple mammalian species, which suggests that this missense change does not adversely affect protein function. In summary, the available evidence is currently insufficient to determine the role of this variant in disease. Therefore, it has been classified as a Variant of Uncertain Significance.

NM_018297.4(NGLY1):c.550G>A (p.Val184Ile)

Gene: NGLY1 (N-glycanase 1; minus strand). Cytogenetic location: 3p24.2.
Variant type: single nucleotide variant.
Coding change: c.550G>A on transcript NM_018297.4 (MANE Select); coding-DNA position 550, G replaced by A.
Protein change: p.Val184Ile; replaces valine 184 with isoleucine.
Molecular consequence: missense variant.
Genome position (GRCh38, 1-based): chr3:25,751,206, C>T on the plus strand (G>A on the coding strand, the complement: NGLY1 is on the minus strand). VCF-style: chr3-25751206-C-T. GRCh37 (hg19) VCF-style: chr3-25792697-C-T.
Other names: c.550G>A, p.Val184Ile (NM_001145293.2, NM_001145295.2); c.424G>A, p.Val142Ile (NM_001145294.2); short protein forms V142I, V184I.
Identifiers: ClinVar variation 844321 (VCV000844321.4), dbSNP rs139636452, ClinGen allele CA2289448.